The following is an entry in ClinVar:

NM_000497.4(CYP11B1):c.952A>C (p.Thr318Pro)

Genes: CYP11B1 (cytochrome P450 family 11 subfamily B member 1; minus strand), LOC106799833 (CYP11B1 recombination region; plus strand). Cytogenetic location: 8q24.3.
Variant type: single nucleotide variant.
Coding change: c.952A>C on transcript NM_000497.4 (MANE Select); coding-DNA position 952, A replaced by C.
Protein change: p.Thr318Pro; replaces threonine 318 with proline.
Molecular consequence: missense variant.
Genome position (GRCh38, 1-based): chr8:142,876,243, T>G on the plus strand (A>C on the coding strand, the complement: CYP11B1 is on the minus strand). VCF-style: chr8-142876243-T-G. GRCh37 (hg19) VCF-style: chr8-143957659-T-G.
Other names: c.952A>C, p.Thr318Pro (NM_001026213.1); short protein forms T318P.
Identifiers: ClinVar variation 3896216 (VCV003896216.2).

ClinVar aggregate classification (germline): Likely pathogenic (1 of 4 stars; one submission).

Conditions:
Congenital adrenal hyperplasia. Identifiers: Orphanet 418, MedGen C0001627, MONDO:0018479, HP:0008258.

Submission:

Women's Health and Genetics/Laboratory Corporation of America, LabCorp
Classification: Likely pathogenic for Congenital adrenal hyperplasia. Last evaluated: 2025-04-16. Review status: criteria provided, single submitter. Criteria: LabCorp Variant Classification Summary - May 2015. Collection method: clinical testing. Allele origin: germline.
Comment: Variant summary: CYP11B1 c.952A>C (p.Thr318Pro) results in a non-conservative amino acid change in the encoded protein sequence. Five of five in-silico tools predict a damaging effect of the variant on protein function. The variant was absent in 251354 control chromosomes (gnomAD). c.952A>C has been observed in an individual affected with Congenital Adrenal Hyperplasia (Lee_2005). Two other variants affecting the same codon have been determined to be pathogenic (p.Thr318Arg, p.Thr318Met), supporting the critical relevance of codon 318 to CYP11B1 protein function. To our knowledge, no experimental evidence demonstrating an impact on protein function has been reported. The following publication has been ascertained in the context of this evaluation (PMID: 15807871). No submitters have cited clinical-significance assessments for this variant to ClinVar. Based on the evidence outlined above, the variant was classified as likely pathogenic.

Literature cited by the submitters: PubMed 15807871.